The following is an entry in ClinVar:

NM_000348.4(SRD5A2):c.59T>C (p.Leu20Pro)

Gene: SRD5A2 (steroid 5 alpha-reductase 2; minus strand). Cytogenetic location: 2p23.1.
Variant type: single nucleotide variant.
Coding change: c.59T>C on transcript NM_000348.4 (MANE Select); coding-DNA position 59, T replaced by C.
Protein change: p.Leu20Pro; replaces leucine 20 with proline.
Molecular consequence: missense variant.
Genome position (GRCh38, 1-based): chr2:31,580,842, A>G on the plus strand (T>C on the coding strand, the complement: SRD5A2 is on the minus strand). VCF-style: chr2-31580842-A-G. GRCh37 (hg19) VCF-style: chr2-31805911-A-G.
Other names: short protein forms L20P.
Identifiers: ClinVar variation 492895 (VCV000492895.9), dbSNP rs761824859, ClinGen allele CA1600035.

ClinVar aggregate classification (germline): Pathogenic. Review status: criteria provided, multiple submitters, no conflicts (2 of 4 stars). 4 submissions from 4 submitters: Pathogenic (3). 1 of the submissions does not count toward it. Last evaluated 2026-09-11.

Conditions:
3-Oxo-5 alpha-steroid delta 4-dehydrogenase deficiency (PPSH). Also called: 46,XY disorder of sex development due to 5-alpha-reductase 2 deficiency; PSEUDOVAGINAL PERINEOSCROTAL HYPOSPADIAS; FAMILIAL INCOMPLETE MALE PSEUDOHERMAPHRODITISM, TYPE 2; MALE PSEUDOHERMAPHRODITISM DUE TO 5-ALPHA-REDUCTASE DEFICIENCY. Identifiers: Orphanet 753, MedGen C0268297, MONDO:0009923, OMIM 264600. Disease mechanism: loss of function.

Allele frequency attached by ClinVar (database versions not stated): gnomAD 0.00001; gnomAD exomes 0.00001; ExAC 0.00002.
gnomAD v4.1: 5 of 1,611,970 alleles (0.00031%); highest among the groups gnomAD compares: East Asian, 0.0067%; no homozygotes.

Submissions (4):

GeneDx
Classification: Pathogenic. Last evaluated: 2026-09-11. Review status: criteria provided, single submitter. Criteria: GeneDx Variant Classification Process June 2021. Collection method: clinical testing. Allele origin: germline.
Comment: Missense variants in this gene are a common cause of disease and they are underrepresented in the general population; In silico analysis suggests that this missense variant does not alter protein structure/function; This variant is associated with the following publications: (PMID: 32596280, 39314038, 18314109, 27849622, 28663096, 20736251, 27051040, 23729601, 31031332, 31219235, 31589614, 35700942, 37147882, 39285472, 36689917, 37918676)

Labcorp Genetics (formerly Invitae), Labcorp
Classification: Pathogenic for 3-Oxo-5 alpha-steroid delta 4-dehydrogenase deficiency. Last evaluated: 2024-04-11. Review status: criteria provided, single submitter. Criteria: Invitae Variant Classification Sherloc (09022015). Collection method: clinical testing. Allele origin: germline.
Comment: This sequence change replaces leucine, which is neutral and non-polar, with proline, which is neutral and non-polar, at codon 20 of the SRD5A2 protein (p.Leu20Pro). This variant is present in population databases (rs761824859, gnomAD 0.006%). This missense change has been observed in individual(s) with steroid-5 alpha-reductase deficiency (PMID: 18314109, 31219235, 32596280). In at least one individual the data is consistent with being in trans (on the opposite chromosome) from a pathogenic variant. ClinVar contains an entry for this variant (Variation ID: 492895). Advanced modeling of protein sequence and biophysical properties (such as structural, functional, and spatial information, amino acid conservation, physicochemical variation, residue mobility, and thermodynamic stability) performed at Invitae indicates that this missense variant is not expected to disrupt SRD5A2 protein function with a negative predictive value of 95%. For these reasons, this variant has been classified as Pathogenic.

Baylor Genetics
Classification: Pathogenic for 3-Oxo-5 alpha-steroid delta 4-dehydrogenase deficiency. Last evaluated: 2024-02-29. Review status: criteria provided, single submitter. Criteria: ACMG Guidelines, 2015. Collection method: clinical testing. Allele origin: unknown.

Clinical Molecular Genetics Laboratory, Johns Hopkins All Children's Hospital
Classification: Pathogenic for 3-Oxo-5 alpha-steroid delta 4-dehydrogenase deficiency. Last evaluated: 2011-12-05. Review status: no assertion criteria provided. Collection method: clinical testing. Allele origin: germline. Affected: yes. Not counted in ClinVar's aggregate classification.

Literature cited by the submitters: PubMed 18314109 (cited by Labcorp Genetics (formerly Invitae), Labcorp); PubMed 31219235 (cited by Labcorp Genetics (formerly Invitae), Labcorp); PubMed 32596280 (cited by Labcorp Genetics (formerly Invitae), Labcorp).